The following is an entry in ClinVar:

ClinVar aggregate classification (germline): Uncertain significance (1 of 4 stars; one submission).

Conditions:
Charcot-Marie-Tooth disease axonal type 2V. Also called: CHARCOT-MARIE-TOOTH NEUROPATHY, TYPE 2V; CHARCOT-MARIE-TOOTH DISEASE, AXONAL, AUTOSOMAL DOMINANT, TYPE 2V. Identifiers: Orphanet 447964, MedGen C5569050, MONDO:0014665, OMIM 616491.
Mucopolysaccharidosis, MPS-III-B (MPS3B). Also called: N-ACETYL-ALPHA-D-GLUCOSAMINIDASE DEFICIENCY; NAGLU DEFICIENCY; SANFILIPPO SYNDROME B; MPS III B; MUCOPOLYSACCHARIDOSIS, TYPE IIIB; MPS IIIB (Sanfilippo Syndrome Type B). Identifiers: Orphanet 79270, MedGen C0086648, MONDO:0009656, OMIM 252920.

Submission:

Labcorp Genetics (formerly Invitae), Labcorp
Classification: Uncertain significance for Charcot-Marie-Tooth disease axonal type 2V; Mucopolysaccharidosis, MPS-III-B. Last evaluated: 2022-02-11. Review status: criteria provided, single submitter. Criteria: Invitae Variant Classification Sherloc (09022015). Collection method: clinical testing. Allele origin: germline.
Comment: In summary, the available evidence is currently insufficient to determine the role of this variant in disease. Therefore, it has been classified as a Variant of Uncertain Significance. Advanced modeling of protein sequence and biophysical properties (such as structural, functional, and spatial information, amino acid conservation, physicochemical variation, residue mobility, and thermodynamic stability) performed at Invitae indicates that this missense variant is expected to disrupt NAGLU protein function. This variant has not been reported in the literature in individuals affected with NAGLU-related conditions. This variant is not present in population databases (gnomAD no frequency). This sequence change replaces serine, which is neutral and polar, with glycine, which is neutral and non-polar, at codon 515 of the NAGLU protein (p.Ser515Gly).

NM_000263.4(NAGLU):c.1543A>G (p.Ser515Gly)

Gene: NAGLU (N-acetyl-alpha-glucosaminidase; plus strand). Cytogenetic location: 17q21.2.
Variant type: single nucleotide variant.
Coding change: c.1543A>G on transcript NM_000263.4 (MANE Select); coding-DNA position 1543, A replaced by G.
Protein change: p.Ser515Gly; replaces serine 515 with glycine.
Molecular consequence: missense variant.
Genome position (GRCh38, 1-based): chr17:42,543,549, A>G. VCF-style: chr17-42543549-A-G. GRCh37 (hg19) VCF-style: chr17-40695567-A-G.
Other names: short protein forms S515G.
Identifiers: ClinVar variation 2096708 (VCV002096708.4), dbSNP rs2510659794, ClinGen allele CA399604139.